The following is an entry in ClinVar:

NM_006662.3(SRCAP):c.2817+3A>G

Gene: SRCAP (Snf2 related CREBBP activator protein; plus strand). Cytogenetic location: 16p11.2.
Variant type: single nucleotide variant.
Coding change: c.2817+3A>G on transcript NM_006662.3 (MANE Select); 3 bases into the intron after coding-DNA position 2817, A replaced by G.
Molecular consequence: intron variant.
Genome position (GRCh38, 1-based): chr16:30,716,482, A>G. VCF-style: chr16-30716482-A-G. GRCh37 (hg19) VCF-style: chr16-30727803-A-G.
Identifiers: ClinVar variation 1380685 (VCV001380685.6), dbSNP rs112269528, ClinGen allele CA8011310.
Genomic context (GRCh38, chr16:30,716,482, plus strand): 5'-CATCTGCTTCAGCACCGCCTCTCTGGTGCTAAGGGCCACGGATGTCCATCCCCTCCAGGT[A>G]AGTATGATTCCATTAATATGAAATGTAAAGGTTATCGGCATTACTCCAACCATGTACCTC-3'

ClinVar aggregate classification (germline): Uncertain significance (1 of 4 stars; one submission).

Allele frequency attached by ClinVar (database versions not stated): gnomAD exomes 0.00001; ExAC 0.00002; TOPMed 0.00004; gnomAD 0.00005.
gnomAD v4.1: 36 of 1,607,628 alleles (0.0022%); highest among the groups gnomAD compares: African/African-American, 0.025%; no homozygotes.

Submission:

Labcorp Genetics (formerly Invitae), Labcorp
Classification: Uncertain significance. Last evaluated: 2022-11-22. Review status: criteria provided, single submitter. Criteria: Invitae Variant Classification Sherloc (09022015). Collection method: clinical testing. Allele origin: germline.
Comment: This variant is present in population databases (rs112269528, gnomAD 0.03%). This sequence change falls in intron 18 of the SRCAP gene. It does not directly change the encoded amino acid sequence of the SRCAP protein. It affects a nucleotide within the consensus splice site. This variant has not been reported in the literature in individuals affected with SRCAP-related conditions. In summary, the available evidence is currently insufficient to determine the role of this variant in disease. Therefore, it has been classified as a Variant of Uncertain Significance. Variants that disrupt the consensus splice site are a relatively common cause of aberrant splicing (PMID: 17576681, 9536098). Algorithms developed to predict the effect of sequence changes on RNA splicing suggest that this variant is not likely to affect RNA splicing. ClinVar contains an entry for this variant (Variation ID: 1380685).

Literature cited by the submitters: PubMed 17576681; PubMed 9536098.